The following is an entry in ClinVar:

NM_000181.4(GUSB):c.148G>T (p.Asp50Tyr)

Gene: GUSB (glucuronidase beta; minus strand). Cytogenetic location: 7q11.21.
Variant type: single nucleotide variant.
Coding change: c.148G>T on transcript NM_000181.4 (MANE Select); coding-DNA position 148, G replaced by T.
Protein change: p.Asp50Tyr; replaces aspartic acid 50 with tyrosine.
Molecular consequence: missense variant. On other transcripts: 5 prime UTR variant (2), non-coding transcript variant (1).
Genome position (GRCh38, 1-based): chr7:65,982,036, C>A on the plus strand (G>T on the coding strand, the complement: GUSB is on the minus strand). VCF-style: chr7-65982036-C-A. GRCh37 (hg19) VCF-style: chr7-65447023-C-A.
Other names: c.148G>T, p.Asp50Tyr (NM_001284290.2); c.-238G>T (NM_001293104.2); c.-182G>T (NM_001293105.2); short protein forms D50Y.
Identifiers: ClinVar variation 4526000 (VCV004526000.1).

ClinVar aggregate classification (germline): Uncertain significance (1 of 4 stars; one submission).

gnomAD v4.1: 2 of 1,610,618 alleles (0.00012%); highest among the groups gnomAD compares: Non-Finnish European, 0.00017%; no homozygotes.

Submission:

Women's Health and Genetics/Laboratory Corporation of America, LabCorp
Classification: Uncertain significance. Last evaluated: 2025-07-10. Review status: criteria provided, single submitter. Criteria: LabCorp Variant Classification Summary - May 2015. Collection method: clinical testing. Allele origin: germline.
Comment: Variant summary: GUSB c.148G>T (p.Asp50Tyr) results in a non-conservative amino acid change in the encoded protein sequence. Algorithms developed to predict the effect of missense changes on protein structure and function all suggest that this variant is likely to be disruptive. The variant was absent in 242026 control chromosomes. The available data on variant occurrences in the general population are insufficient to allow any conclusion about variant significance. c.148G>T has been observed in an individual affected with Mucopolysaccharidosis Type VII (Sly Syndrome) (Montano_2016). These data do not allow any conclusion about variant significance. To our knowledge, no experimental evidence demonstrating an impact on protein function has been reported. The following publication have been ascertained in the context of this evaluation (PMID: 26908836). No submitters have cited clinical-significance assessments for this variant to ClinVar. Based on the evidence outlined above, the variant was classified as uncertain significance.

Literature cited by the submitters: PubMed 26908836.